The following is an entry in ClinVar:

NM_004385.5(VCAN):c.1754C>T (p.Thr585Ile)

Gene: VCAN (versican; plus strand). Cytogenetic location: 5q14.3.
Variant type: single nucleotide variant.
Coding change: c.1754C>T on transcript NM_004385.5 (MANE Select); coding-DNA position 1754, C replaced by T.
Protein change: p.Thr585Ile; replaces threonine 585 with isoleucine.
Molecular consequence: missense variant. On other transcripts: intron variant (2).
Genome position (GRCh38, 1-based): chr5:83,520,060, C>T. VCF-style: chr5-83520060-C-T. GRCh37 (hg19) VCF-style: chr5-82815879-C-T.
Other names: c.1754C>T, p.Thr585Ile (NM_001164098.2); c.1042+7664C>T (NM_001164097.2, NM_001126336.3); short protein forms T585I.
Identifiers: ClinVar variation 4760152 (VCV004760152.1).

ClinVar aggregate classification (germline): Uncertain significance (1 of 4 stars; one submission).

gnomAD v4.1: 3 of 1,613,988 alleles (0.00019%); highest among the groups gnomAD compares: African/African-American, 0.0013%; no homozygotes.

Submission:

Labcorp Genetics (formerly Invitae), Labcorp
Classification: Uncertain significance. Last evaluated: 2026-01-20. Review status: criteria provided, single submitter. Criteria: Invitae Variant Classification Sherloc (09022015). Collection method: clinical testing. Allele origin: germline.
Comment: This sequence change replaces threonine, which is neutral and polar, with isoleucine, which is neutral and non-polar, at codon 585 of the VCAN protein (p.Thr585Ile). This variant is present in population databases (no rsID available, gnomAD 0.004%). This variant has not been reported in the literature in individuals affected with VCAN-related conditions. An algorithm developed to predict the effect of missense changes on protein structure and function outputs the following: PolyPhen-2: "Benign". The isoleucine amino acid residue is found in multiple mammalian species, which suggests that this missense change does not adversely affect protein function. In summary, the available evidence is currently insufficient to determine the role of this variant in disease. Therefore, it has been classified as a Variant of Uncertain Significance.